The following is an entry in ClinVar:

NM_015378.4(VPS13D):c.10353T>A (p.Asp3451Glu)

Gene: VPS13D (vacuolar protein sorting 13 homolog D; plus strand). Cytogenetic location: 1p36.22.
Variant type: single nucleotide variant.
Coding change: c.10353T>A on transcript NM_015378.4 (MANE Select); coding-DNA position 10353, T replaced by A.
Protein change: p.Asp3451Glu; replaces aspartic acid 3451 with glutamic acid.
Molecular consequence: missense variant.
Genome position (GRCh38, 1-based): chr1:12,363,152, T>A. VCF-style: chr1-12363152-T-A. GRCh37 (hg19) VCF-style: chr1-12423208-T-A.
Other names: c.10278T>A, p.Asp3426Glu (NM_018156.4); short protein forms D3426E, D3451E.
Identifiers: ClinVar variation 2828851 (VCV002828851.3), dbSNP rs2524408313, ClinGen allele CA338497835.

ClinVar aggregate classification (germline): Uncertain significance (1 of 4 stars; one submission).

Allele frequency attached by ClinVar (database versions not stated): gnomAD exomes below 0.00001.
gnomAD v4.1: 1 of 1,614,246 alleles (0.000062%); highest among the groups gnomAD compares: Non-Finnish European, 0.000085%; no homozygotes.

Submission:

Labcorp Genetics (formerly Invitae), Labcorp
Classification: Uncertain significance. Last evaluated: 2023-11-24. Review status: criteria provided, single submitter. Criteria: Invitae Variant Classification Sherloc (09022015). Collection method: clinical testing. Allele origin: germline.
Comment: This sequence change replaces aspartic acid, which is acidic and polar, with glutamic acid, which is acidic and polar, at codon 3451 of the VPS13D protein (p.Asp3451Glu). This variant is not present in population databases (gnomAD no frequency). This variant has not been reported in the literature in individuals affected with VPS13D-related conditions. Advanced modeling of protein sequence and biophysical properties (such as structural, functional, and spatial information, amino acid conservation, physicochemical variation, residue mobility, and thermodynamic stability) performed at Invitae indicates that this missense variant is expected to disrupt VPS13D protein function with a positive predictive value of 80%. In summary, the available evidence is currently insufficient to determine the role of this variant in disease. Therefore, it has been classified as a Variant of Uncertain Significance.